The following is an entry in ClinVar:

ClinVar aggregate classification (germline): Uncertain significance (1 of 4 stars; one submission).

Submission:

Labcorp Genetics (formerly Invitae), Labcorp
Classification: Uncertain significance. Last evaluated: 2021-04-13. Review status: criteria provided, single submitter. Criteria: Invitae Variant Classification Sherloc (09022015). Collection method: clinical testing. Allele origin: germline.
Comment: This sequence change falls in intron 24 of the COL7A1 gene. It does not directly change the encoded amino acid sequence of the COL7A1 protein. It affects a nucleotide within the consensus splice site of the intron. This variant is not present in population databases (ExAC no frequency). This variant has not been reported in the literature in individuals with COL7A1-related conditions. Nucleotide substitutions within the consensus splice site are a relatively common cause of aberrant splicing (PMID: 17576681, 9536098). Algorithms developed to predict the effect of sequence changes on RNA splicing suggest that this variant is not likely to affect RNA splicing, but this prediction has not been confirmed by published transcriptional studies. In summary, the available evidence is currently insufficient to determine the role of this variant in disease. Therefore, it has been classified as a Variant of Uncertain Significance.

Literature cited by the submitters: PubMed 17576681; PubMed 9536098.

NM_000094.4(COL7A1):c.3277-3C>T

Gene: COL7A1 (collagen type VII alpha 1 chain; minus strand). Cytogenetic location: 3p21.31.
Variant type: single nucleotide variant.
Coding change: c.3277-3C>T on transcript NM_000094.4 (MANE Select); 3 bases into the intron before coding-DNA position 3277, C replaced by T.
Molecular consequence: intron variant.
Genome position (GRCh38, 1-based): chr3:48,586,692, G>A on the plus strand (C>T on the coding strand, the complement: COL7A1 is on the minus strand). VCF-style: chr3-48586692-G-A. GRCh37 (hg19) VCF-style: chr3-48624125-G-A.
Identifiers: ClinVar variation 1932129 (VCV001932129.2), dbSNP rs2531215850, ClinGen allele CA2580069923.
Genomic context (GRCh38, chr3:48,586,692, plus strand): 5'-GGGAGCCATTCAGTGGGAACAGTGGGGAGGGCCGATGACTGTAAGACAGCAGGCCAACCT[G>A]GGGTGGAAGGAAACACAGAGCCTGAGGAGGATGACAGAGCAGGGATGGGGGTGCACAGAG-3'